The following is an entry in ClinVar:

NM_014747.3(RIMS3):c.507C>A (p.Gly169=)

Genes: RIMS3 (regulating synaptic membrane exocytosis 3; minus strand), LOC126805714 (CDK7 strongly-dependent group 2 enhancer GRCh37_chr1:41093974-41095173; plus strand). Cytogenetic location: 1p34.2.
Variant type: single nucleotide variant.
Coding change: c.507C>A on transcript NM_014747.3 (MANE Select); coding-DNA position 507, C replaced by A.
Protein change: p.Gly169=; no amino-acid change (glycine 169 retained).
Molecular consequence: synonymous variant.
Genome position (GRCh38, 1-based): chr1:40,629,338, G>T on the plus strand (C>A on the coding strand, the complement: RIMS3 is on the minus strand). VCF-style: chr1-40629338-G-T. GRCh37 (hg19) VCF-style: chr1-41095010-G-T.
Identifiers: ClinVar variation 3039796 (VCV003039796.2), dbSNP rs200917411, ClinGen allele CA793801.

ClinVar aggregate classification (germline): Likely benign (0 of 4 stars; one submission).

Conditions:
RIMS3-related disorder. Also called: RIMS3-related condition.

Allele frequency attached by ClinVar (database versions not stated): gnomAD 0.00014; gnomAD exomes 0.00017; 1000 Genomes Project 0.00020; ExAC 0.00026; TOPMed 0.00027; 1000 Genomes Project 30x 0.00031; ESP Exome Variant Server 0.00031.
gnomAD v4.1: 306 of 1,614,150 alleles (0.019%); highest among the groups gnomAD compares: Middle Eastern, 0.13%; 1 homozygote.

Submission:

PreventionGenetics, part of Exact Sciences
Classification: Likely benign for RIMS3-related condition. Last evaluated: 2021-06-23. Review status: no assertion criteria provided. Collection method: clinical testing. Allele origin: germline.
Comment: This variant is classified as likely benign based on ACMG/AMP sequence variant interpretation guidelines (Richards et al. 2015 PMID: 25741868, with internal and published modifications).